The following is an entry in ClinVar:

ClinVar aggregate classification (germline): Uncertain significance (1 of 4 stars; one submission).

Conditions:
Charcot-Marie-Tooth disease dominant intermediate C (CMTDIC). Also called: CHARCOT-MARIE-TOOTH NEUROPATHY, DOMINANT INTERMEDIATE C. Identifiers: Orphanet 100045, MedGen C1842237, MONDO:0012012, OMIM 608323.

gnomAD v4.1: 9 of 1,614,074 alleles (0.00056%); highest among the groups gnomAD compares: Admixed American, 0.013%; no homozygotes.

Submission:

Labcorp Genetics (formerly Invitae), Labcorp
Classification: Uncertain significance for Charcot-Marie-Tooth disease dominant intermediate C. Last evaluated: 2024-06-13. Review status: criteria provided, single submitter. Criteria: Invitae Variant Classification Sherloc (09022015). Collection method: clinical testing. Allele origin: germline.
Comment: This sequence change replaces arginine, which is basic and polar, with glutamine, which is neutral and polar, at codon 16 of the YARS protein (p.Arg16Gln). This variant is present in population databases (rs769997873, gnomAD 0.02%). This variant has not been reported in the literature in individuals affected with YARS-related conditions. Advanced modeling of protein sequence and biophysical properties (such as structural, functional, and spatial information, amino acid conservation, physicochemical variation, residue mobility, and thermodynamic stability) has been performed at Invitae for this missense variant, however the output from this modeling did not meet the statistical confidence thresholds required to predict the impact of this variant on YARS protein function. In summary, the available evidence is currently insufficient to determine the role of this variant in disease. Therefore, it has been classified as a Variant of Uncertain Significance.

NM_003680.4(YARS1):c.47G>A (p.Arg16Gln)

Genes: S100PBP (S100P binding protein; plus strand), YARS1 (tyrosyl-tRNA synthetase 1; minus strand). Cytogenetic location: 1p35.1.
Variant type: single nucleotide variant.
Coding change: c.47G>A on transcript NM_003680.4 (MANE Select); coding-DNA position 47, G replaced by A.
Protein change: p.Arg16Gln; replaces arginine 16 with glutamine.
Molecular consequence: missense variant.
Genome position (GRCh38, 1-based): chr1:32,817,198, C>T on the plus strand (G>A on the coding strand, the complement: YARS1 is on the minus strand). VCF-style: chr1-32817198-C-T. GRCh37 (hg19) VCF-style: chr1-33282799-C-T.
Other names: short protein forms R16Q.
Identifiers: ClinVar variation 3619891 (VCV003619891.2).